The following is an entry in ClinVar:

ClinVar aggregate classification (germline): Uncertain significance (1 of 4 stars; one submission).

Allele frequency attached by ClinVar (database versions not stated): gnomAD exomes below 0.00001; gnomAD 0.00001.
gnomAD v4.1: 3 of 1,550,612 alleles (0.00019%); highest among the groups gnomAD compares: African/African-American, 0.0014%; no homozygotes.

Submission:

Labcorp Genetics (formerly Invitae), Labcorp
Classification: Uncertain significance. Last evaluated: 2026-01-19. Review status: criteria provided, single submitter. Criteria: Invitae Variant Classification Sherloc (09022015). Collection method: clinical testing. Allele origin: germline.
Comment: This sequence change replaces proline, which is neutral and non-polar, with leucine, which is neutral and non-polar, at codon 1620 of the OTOG protein (p.Pro1620Leu). This variant is not present in population databases (gnomAD no frequency). This variant has not been reported in the literature in individuals affected with OTOG-related conditions. ClinVar contains an entry for this variant (Variation ID: 1516976). An algorithm developed to predict the effect of missense changes on protein structure and function (PolyPhen-2) suggests that this variant is likely to be tolerated. In summary, the available evidence is currently insufficient to determine the role of this variant in disease. Therefore, it has been classified as a Variant of Uncertain Significance.

NM_001292063.2(OTOG):c.4823C>T (p.Pro1608Leu)

Gene: OTOG (otogelin; plus strand). Cytogenetic location: 11p15.1.
Variant type: single nucleotide variant.
Coding change: c.4823C>T on transcript NM_001292063.2 (MANE Select); coding-DNA position 4823, C replaced by T.
Protein change: p.Pro1608Leu; replaces proline 1608 with leucine.
Molecular consequence: missense variant.
Genome position (GRCh38, 1-based): chr11:17,610,123, C>T. VCF-style: chr11-17610123-C-T. GRCh37 (hg19) VCF-style: chr11-17631670-C-T.
Other names: c.4859C>T, p.Pro1620Leu (NM_001277269.2); short protein forms P1608L, P1620L.
Identifiers: ClinVar variation 1516976 (VCV001516976.6), dbSNP rs1853489884, ClinGen allele CA379796467.